The following is an entry in ClinVar:

ClinVar aggregate classification (germline): Likely pathogenic (1 of 4 stars; one submission).

Conditions:
Fanconi anemia (FA). Also called: Fanconi's anemia. Identifiers: Orphanet 84, MedGen C0015625, MeSH D005199, MONDO:0019391.

Submission:

Natera, Inc.
Classification: Likely pathogenic for Fanconi anemia. Last evaluated: 2024-10-14. Review status: criteria provided, single submitter. Criteria: Natera Variant Classification Schema (03/2026). Collection method: clinical testing. Allele origin: germline.
Comment: The c.632del variant in FANCA is a frameshift variant predicted to shift the reading frame beginning at codon 211 and leads to a stop codon 34 codons downstream. This variant is expected to result in nonsense mediated decay, truncation, or a dysfunctional protein product. This variant is rare in the general population with a frequency below the threshold expected for the associated phenotype(s). Given the available evidence, this variant is classified as Likely Pathogenic.

NM_000135.4(FANCA):c.632del (p.Phe211fs)

Gene: FANCA (FA complementation group A; minus strand). Cytogenetic location: 16q24.3.
Variant type: Deletion.
Coding change: c.632del on transcript NM_000135.4 (MANE Select); coding-DNA position 632, one base deleted (T; older notation c.632delT).
Protein change: p.Phe211fs; shifts the reading frame from phenylalanine 211.
Molecular consequence: frameshift variant.
Genome position (GRCh38, 1-based): chr16:89,805,357, A deleted on the plus strand (T on the coding strand, the reverse complement: FANCA is on the minus strand); the first of 2 consecutive A bases (chr16:89,805,357-89,805,358); deleting either gives the same sequence. VCF-style (leftmost placement, unchanged base first): chr16-89805356-GA-G. GRCh37 (hg19) VCF-style: chr16-89871764-GA-G.
Other names: c.632del, p.Phe211fs (NM_001018112.3, NM_001286167.3); c.536del, p.Phe179fs (NM_001351830.2); short protein forms F179fs, F211fs.
Identifiers: ClinVar variation 4817537 (VCV004817537.1).